The following is an entry in ClinVar:

NM_001277062.2(MFF):c.181+1_181+2insAAATAATGAAGATGTTTCATTTTCAAGACCAGCAGATCTTGACCT

Gene: MFF (mitochondrial fission factor; plus strand). Cytogenetic location: 2q36.3.
Variant type: Insertion.
Coding change: c.181+1_181+2insAAATAATGAAGATGTTTCATTTTCAAGACCAGCAGATCTTGACCT on transcript NM_001277062.2 (MANE Select); the canonical splice donor site of the intron after coding-DNA position 181, AAATAATGAAGATGTTTCATTTTCAAGACCAGCAGATCTTGACCT inserted.
Molecular consequence: splice donor variant.
Genome position: GRCh38: chr2:227,330,847-227,330,848. GRCh37 (hg19): chr2:228,195,563-228,195,564.
Other names: c.259+1_259+2insAAATAATGAAGATGTTTCATTTTCAAGACCAGCAGATCTTGACCT (NM_001277061.2, NM_020194.5); c.181+1_181+2insAAATAATGAAGATGTTTCATTTTCAAGACCAGCAGATCTTGACCT (NM_001277063.2, NM_001277064.2, NM_001277065.2 and 2 more transcripts); c.31+1_31+2insAAATAATGAAGATGTTTCATTTTCAAGACCAGCAGATCTTGACCT (NM_001277067.1).
Identifiers: ClinVar variation 2180898 (VCV002180898.1), dbSNP rs749103517, ClinGen allele CA2147811.

ClinVar aggregate classification (germline): Likely pathogenic (1 of 4 stars; one submission).

Submission:

Labcorp Genetics (formerly Invitae), Labcorp
Classification: Likely pathogenic. Last evaluated: 2022-09-24. Review status: criteria provided, single submitter. Criteria: Invitae Variant Classification Sherloc (09022015). Collection method: clinical testing. Allele origin: germline.
Comment: This sequence change affects a splice site in intron 4 of the MFF gene. It is expected to disrupt RNA splicing. Variants that disrupt the donor or acceptor splice site typically lead to a loss of protein function (PMID: 16199547), and loss-of-function variants in MFF are known to be pathogenic (PMID: 22499341, 26783368). The frequency data for this variant in the population databases is considered unreliable, as metrics indicate poor data quality at this position in the gnomAD database. This variant has not been reported in the literature in individuals affected with MFF-related conditions. Algorithms developed to predict the effect of sequence changes on RNA splicing suggest that this variant may disrupt the consensus splice site. In summary, the currently available evidence indicates that the variant is pathogenic, but additional data are needed to prove that conclusively. Therefore, this variant has been classified as Likely Pathogenic.

Literature cited by the submitters: PubMed 16199547; PubMed 22499341; PubMed 26783368.